The following is an entry in ClinVar:

ClinVar aggregate classification (germline): Uncertain significance (1 of 4 stars; one submission).

Conditions:
Tumor predisposition syndrome 3 (TPDS3). Also called: LONG TELOMERE SYNDROME, POT1-RELATED; POT1 Tumor Predisposition; Melanoma, cutaneous malignant, susceptibility to, 10; Glioma susceptibility 9. Identifiers: Orphanet 618, MedGen C4014476, MONDO:0014368, OMIM 615848.

Submission:

Labcorp Genetics (formerly Invitae), Labcorp
Classification: Uncertain significance for Tumor predisposition syndrome 3. Last evaluated: 2023-05-04. Review status: criteria provided, single submitter. Criteria: Invitae Variant Classification Sherloc (09022015). Collection method: clinical testing. Allele origin: germline.
Comment: This sequence change replaces tyrosine, which is neutral and polar, with aspartic acid, which is acidic and polar, at codon 610 of the POT1 protein (p.Tyr610Asp). In summary, the available evidence is currently insufficient to determine the role of this variant in disease. Therefore, it has been classified as a Variant of Uncertain Significance. Advanced modeling of protein sequence and biophysical properties (such as structural, functional, and spatial information, amino acid conservation, physicochemical variation, residue mobility, and thermodynamic stability) performed at Invitae indicates that this missense variant is not expected to disrupt POT1 protein function. This variant has not been reported in the literature in individuals affected with POT1-related conditions. This variant is not present in population databases (gnomAD no frequency).

NM_015450.3(POT1):c.1828T>G (p.Tyr610Asp)

Gene: POT1 (protection of telomeres 1; minus strand). Cytogenetic location: 7q31.33.
Variant type: single nucleotide variant.
Coding change: c.1828T>G on transcript NM_015450.3 (MANE Select); coding-DNA position 1828, T replaced by G.
Protein change: p.Tyr610Asp; replaces tyrosine 610 with aspartic acid.
Molecular consequence: missense variant. On other transcripts: non-coding transcript variant (3).
Genome position (GRCh38, 1-based): chr7:124,824,039, A>C on the plus strand (T>G on the coding strand, the complement: POT1 is on the minus strand). VCF-style: chr7-124824039-A-C. GRCh37 (hg19) VCF-style: chr7-124464093-A-C.
Other names: c.1435T>G, p.Tyr479Asp (NM_001042594.2); short protein forms Y479D, Y610D.
Identifiers: ClinVar variation 2861919 (VCV002861919.3), dbSNP rs1327415212, ClinGen allele CA369061216.
Genomic context (GRCh38, chr7:124,824,039, plus strand): 5'-CAACTGTGGTGTCAAAAATCTGATAGCAAATTTGATTATCTGTTCCATTTGTGACATTGT[A>C]TGACTTGATGAAGCATTCCAACCACGGATATGCATCTACAAAAACAAAAACAAAAAAAGC-3'
Protein context (NP_056265.2, residues 600-620): YPWLECFIKS[Tyr610Asp]NVTNGTDNQI